The following is an entry in ClinVar:

NM_181426.2(CCDC39):c.1028C>T (p.Thr343Ile)

Gene: CCDC39 (coiled-coil domain 39 molecular ruler complex subunit; minus strand). Cytogenetic location: 3q26.33.
Variant type: single nucleotide variant.
Coding change: c.1028C>T on transcript NM_181426.2 (MANE Select); coding-DNA position 1028, C replaced by T.
Protein change: p.Thr343Ile; replaces threonine 343 with isoleucine.
Molecular consequence: missense variant.
Genome position (GRCh38, 1-based): chr3:180,652,169, G>A on the plus strand (C>T on the coding strand, the complement: CCDC39 is on the minus strand). VCF-style: chr3-180652169-G-A. GRCh37 (hg19) VCF-style: chr3-180369957-G-A.
Other names: c.1028C>T (NM_181426.1); short protein forms T343I.
Identifiers: ClinVar variation 2178091 (VCV002178091.3), dbSNP rs957354905, ClinGen allele CA88632654.
Genomic context (GRCh38, chr3:180,652,169, plus strand): 5'-TTCTAGATATAGTAAAAAATAATCATAAACATATTTAGATAGTTTTTTTCTTACCTTGCT[G>A]TTTCTTCATGAATGTCCTTCTTTATCTTGGAAATATTTTTCCTCAGAGCTTCTAAATCAC-3'
Protein context (NP_852091.1, residues 333-353): SKIKKDIHEE[Thr343Ile]ARLQKTKNHN

ClinVar aggregate classification (germline): Uncertain significance. Review status: criteria provided, multiple submitters, no conflicts (2 of 4 stars). 2 submissions from 2 submitters: Uncertain significance (2). Last evaluated 2025-11-03.

Conditions:
Primary ciliary dyskinesia. Also called: Ciliary dyskinesia. Identifiers: Orphanet 244, MedGen C0008780, MONDO:0016575, HP:0012265.

Allele frequency attached by ClinVar (database versions not stated): TOPMed 0.00004.
gnomAD v4.1: 8 of 1,491,652 alleles (0.00054%); highest among the groups gnomAD compares: Admixed American, 0.0066%; no homozygotes.

Submissions (2):

Labcorp Genetics (formerly Invitae), Labcorp
Classification: Uncertain significance for Primary ciliary dyskinesia. Last evaluated: 2025-11-03. Review status: criteria provided, single submitter. Criteria: Invitae Variant Classification Sherloc (09022015). Collection method: clinical testing. Allele origin: germline.
Comment: This sequence change replaces threonine, which is neutral and polar, with isoleucine, which is neutral and non-polar, at codon 343 of the CCDC39 protein (p.Thr343Ile). This variant is not present in population databases (gnomAD no frequency). This variant has not been reported in the literature in individuals affected with CCDC39-related conditions. ClinVar contains an entry for this variant (Variation ID: 2178091). An algorithm developed to predict the effect of missense changes on protein structure and function (PolyPhen-2) suggests that this variant is likely to be disruptive. In summary, the available evidence is currently insufficient to determine the role of this variant in disease. Therefore, it has been classified as a Variant of Uncertain Significance.

Ambry Genetics
Classification: Uncertain significance for Primary ciliary dyskinesia. Last evaluated: 2024-01-31. Review status: criteria provided, single submitter. Criteria: Ambry Variant Classification Scheme 2023. Collection method: clinical testing. Allele origin: germline.